The following is an entry in ClinVar:

ClinVar aggregate classification (germline): Uncertain significance (1 of 4 stars; one submission).

Submission:

GeneDx
Classification: Uncertain significance. Last evaluated: 2024-04-24. Review status: criteria provided, single submitter. Criteria: GeneDx Variant Classification Process June 2021. Collection method: clinical testing. Allele origin: germline. Affected: yes.
Comment: Not observed at significant frequency in large population cohorts (gnomAD); In silico analysis supports that this missense variant has a deleterious effect on protein structure/function; Has not been previously published as pathogenic or benign to our knowledge

NM_181672.3(OGT):c.1991G>C (p.Gly664Ala)

Gene: OGT (O-linked N-acetylglucosamine (GlcNAc) transferase; plus strand). Cytogenetic location: Xq13.1.
Variant type: single nucleotide variant.
Coding change: c.1991G>C on transcript NM_181672.3 (MANE Select); coding-DNA position 1991, G replaced by C.
Protein change: p.Gly664Ala; replaces glycine 664 with alanine.
Molecular consequence: missense variant.
Genome position (GRCh38, 1-based): chrX:71,562,860, G>C. VCF-style: chrX-71562860-G-C. GRCh37 (hg19) VCF-style: chrX-70782710-G-C.
Other names: c.1961G>C, p.Gly654Ala (NM_181673.3); short protein forms G654A, G664A.
Identifiers: ClinVar variation 3373053 (VCV003373053.1).